The following is an entry in ClinVar:

NM_033131.4(WNT3A):c.895G>A (p.Val299Ile)

Gene: WNT3A (Wnt family member 3A; plus strand). Cytogenetic location: 1q42.13.
Variant type: single nucleotide variant.
Coding change: c.895G>A on transcript NM_033131.4 (MANE Select); coding-DNA position 895, G replaced by A.
Protein change: p.Val299Ile; replaces valine 299 with isoleucine.
Molecular consequence: missense variant.
Genome position (GRCh38, 1-based): chr1:228,059,301, G>A. VCF-style: chr1-228059301-G-A. GRCh37 (hg19) VCF-style: chr1-228247002-G-A.
Other names: c.895G>A (NM_033131.3); short protein forms V299I.
Identifiers: ClinVar variation 1381936 (VCV001381936.7), dbSNP rs145403278, ClinGen allele CA1429555.

ClinVar aggregate classification (germline): Uncertain significance. Review status: criteria provided, multiple submitters, no conflicts (2 of 4 stars). 2 submissions from 2 submitters: Uncertain significance (2). Last evaluated 2025-04-10.

Allele frequency attached by ClinVar (database versions not stated): gnomAD exomes 0.00002 and 0.00007; ExAC 0.00006; 1000 Genomes Project 0.00020; gnomAD 0.00022 and 0.00023; ESP Exome Variant Server 0.00023; 1000 Genomes Project 30x 0.00031; TOPMed 0.00031.
gnomAD v4.1: 59 of 1,585,366 alleles (0.0037%); highest among the groups gnomAD compares: African/African-American, 0.07%; no homozygotes.

Submissions (2):

Labcorp Genetics (formerly Invitae), Labcorp
Classification: Uncertain significance. Last evaluated: 2025-04-10. Review status: criteria provided, single submitter. Criteria: Invitae Variant Classification Sherloc (09022015). Collection method: clinical testing. Allele origin: germline.
Comment: This sequence change replaces valine, which is neutral and non-polar, with isoleucine, which is neutral and non-polar, at codon 299 of the WNT3A protein (p.Val299Ile). This variant is present in population databases (rs145403278, gnomAD 0.08%), and has an allele count higher than expected for a pathogenic variant. This variant has not been reported in the literature in individuals affected with WNT3A-related conditions. ClinVar contains an entry for this variant (Variation ID: 1381936). Invitae Evidence Modeling of protein sequence and biophysical properties (such as structural, functional, and spatial information, amino acid conservation, physicochemical variation, residue mobility, and thermodynamic stability) indicates that this missense variant is not expected to disrupt WNT3A protein function with a negative predictive value of 80%. In summary, the available evidence is currently insufficient to determine the role of this variant in disease. Therefore, it has been classified as a Variant of Uncertain Significance.

Ambry Genetics
Classification: Uncertain significance. Last evaluated: 2024-08-01. Review status: criteria provided, single submitter. Criteria: Ambry Variant Classification Scheme 2023. Collection method: clinical testing. Allele origin: germline.